The following is an entry in ClinVar:

NM_003632.3(CNTNAP1):c.2782del (p.Val928fs)

Gene: CNTNAP1 (contactin associated protein 1; plus strand). Cytogenetic location: 17q21.2.
Variant type: Deletion.
Coding change: c.2782del on transcript NM_003632.3 (MANE Select); coding-DNA position 2782, one base deleted (G; older notation c.2782delG).
Protein change: p.Val928fs; shifts the reading frame from valine 928.
Molecular consequence: frameshift variant.
Genome position (GRCh38, 1-based): chr17:42,693,326, G deleted. VCF-style (leftmost placement, unchanged base first): chr17-42693325-TG-T. GRCh37 (hg19) VCF-style: chr17-40845343-TG-T.
Other names: short protein forms V928fs.
Identifiers: ClinVar variation 3348545 (VCV003348545.1).
Genomic context (GRCh38, chr17:42,693,325, plus strand): 5'-CCATTTCTTGACCTGTTGCCTACCCTTCCCAGGATCTGCAGAGCTTAAGAGACGCCCCTT[TG>T]TGGGTTGCTTGAGGGCCATGCGTCTGAACGGAGTGACTCTGAACCTGGAGGGCCGTGCCA-3'

ClinVar aggregate classification (germline): Likely pathogenic (0 of 4 stars; one submission).

Conditions:
CNTNAP1-related disorder. Also called: CNTNAP1-related condition; CNTNAP1-related disease.

Submission:

PreventionGenetics, part of Exact Sciences
Classification: Likely pathogenic for CNTNAP1-related condition. Last evaluated: 2024-03-19. Review status: no assertion criteria provided. Collection method: clinical testing. Allele origin: germline.
Comment: The CNTNAP1 c.2782delG variant is predicted to result in a frameshift and premature protein termination (p.Val928Trpfs*4). To our knowledge, this variant has not been reported in the literature or in a large population database, indicating this variant is rare. Frameshift variants in CNTNAP1 are expected to be pathogenic. This variant is interpreted as likely pathogenic.